The following is an entry in ClinVar:

NM_199420.4(POLQ):c.5915A>G (p.Lys1972Arg)

Gene: POLQ (DNA polymerase theta; minus strand). Cytogenetic location: 3q13.33.
Variant type: single nucleotide variant.
Coding change: c.5915A>G on transcript NM_199420.4 (MANE Select); coding-DNA position 5915, A replaced by G.
Protein change: p.Lys1972Arg; replaces lysine 1972 with arginine.
Molecular consequence: missense variant.
Genome position (GRCh38, 1-based): chr3:121,483,441, T>C on the plus strand (A>G on the coding strand, the complement: POLQ is on the minus strand). VCF-style: chr3-121483441-T-C. GRCh37 (hg19) VCF-style: chr3-121202288-T-C.
Other names: short protein forms K1972R.
Identifiers: ClinVar variation 3230080 (VCV003230080.1), dbSNP rs2546781669, ClinGen allele CA354088508.

ClinVar aggregate classification (germline): Uncertain significance (1 of 4 stars; one submission).

Allele frequency attached by ClinVar (database versions not stated): gnomAD exomes below 0.00001.
gnomAD v4.1: 1 of 1,595,114 alleles (0.000063%); highest among the groups gnomAD compares: East Asian, 0.0023%; no homozygotes.

Submission:

Ambry Genetics
Classification: Uncertain significance. Last evaluated: 2023-10-13. Review status: criteria provided, single submitter. Criteria: Ambry Variant Classification Scheme 2023. Collection method: clinical testing. Allele origin: germline.
Comment: The p.K1972R variant (also known as c.5915A>G), located in coding exon 18 of the POLQ gene, results from an A to G substitution at nucleotide position 5915. The lysine at codon 1972 is replaced by arginine, an amino acid with highly similar properties. This amino acid position is conserved. In addition, this alteration is predicted to be tolerated by in silico analysis. Since supporting evidence is limited at this time, the clinical significance of this alteration remains unclear.